The following is an entry in ClinVar:

ClinVar aggregate classification (germline): Uncertain significance (1 of 4 stars; one submission).

gnomAD v4.1: 8 of 1,592,528 alleles (0.0005%); highest among the groups gnomAD compares: Non-Finnish European, 0.00069%; no homozygotes.

Submission:

Labcorp Genetics (formerly Invitae), Labcorp
Classification: Uncertain significance. Last evaluated: 2024-05-16. Review status: criteria provided, single submitter. Criteria: Invitae Variant Classification Sherloc (09022015). Collection method: clinical testing. Allele origin: germline.
Comment: This sequence change replaces cysteine, which is neutral and slightly polar, with tyrosine, which is neutral and polar, at codon 500 of the CYP19A1 protein (p.Cys500Tyr). This variant is present in population databases (no rsID available, gnomAD 0.0009%). This variant has not been reported in the literature in individuals affected with CYP19A1-related conditions. Algorithms developed to predict the effect of missense changes on protein structure and function output the following: SIFT: "Not Available"; PolyPhen-2: "Benign"; Align-GVGD: "Not Available". The tyrosine amino acid residue is found in multiple mammalian species, which suggests that this missense change does not adversely affect protein function. Algorithms developed to predict the effect of sequence changes on RNA splicing suggest that this variant may create or strengthen a splice site. In summary, the available evidence is currently insufficient to determine the role of this variant in disease. Therefore, it has been classified as a Variant of Uncertain Significance.

NM_000103.4(CYP19A1):c.1499G>A (p.Cys500Tyr)

Genes: CYP19A1 (cytochrome P450 family 19 subfamily A member 1; minus strand), MIR4713HG (MIR4713 host gene; plus strand), PIRC66 (piwi-interacting RNA cluster 66; plus strand). Cytogenetic location: 15q21.2.
Variant type: single nucleotide variant.
Coding change: c.1499G>A on transcript NM_000103.4 (MANE Select); coding-DNA position 1499, G replaced by A.
Protein change: p.Cys500Tyr; replaces cysteine 500 with tyrosine.
Molecular consequence: missense variant.
Genome position (GRCh38, 1-based): chr15:51,210,821, C>T on the plus strand (G>A on the coding strand, the complement: CYP19A1 is on the minus strand). VCF-style: chr15-51210821-C-T. GRCh37 (hg19) VCF-style: chr15-51503018-C-T.
Other names: c.1499G>A, p.Cys500Tyr (NM_001347248.1, NM_001347249.2, NM_001347250.2 and 7 more transcripts); short protein forms C500Y.
Identifiers: ClinVar variation 3620352 (VCV003620352.2).